The following is an entry in ClinVar:

NM_001363711.2(DUOX2):c.2104_2106del (p.Gly702del)

Gene: DUOX2 (dual oxidase 2; minus strand). Cytogenetic location: 15q21.1.
Variant type: Deletion.
Coding change: c.2104_2106del on transcript NM_001363711.2 (MANE Select); coding-DNA positions 2104 to 2106, 3 bases deleted (GGA; older notation c.2104_2106delGGA).
Protein change: p.Gly702del; deletes glycine 702.
Molecular consequence: inframe deletion.
Genome position (GRCh38, 1-based): chr15:45,106,167-45,106,169, TCC deleted on the plus strand (GGA on the coding strand, the reverse complement: DUOX2 is on the minus strand); deleting any 3 consecutive bases within chr15:45,106,167-45,106,171 gives the same sequence; the c. name uses the placement nearest the transcript's 3' end. VCF-style (leftmost placement, unchanged base first): chr15-45106166-ATCC-A. GRCh37 (hg19) VCF-style: chr15-45398364-ATCC-A.
Other names: c.2104_2106del, p.Gly702del (NM_014080.5); c.2104_2106del (NM_014080.4); short protein forms G702del.
Identifiers: ClinVar variation 1483823 (VCV001483823.10), dbSNP rs779340990, ClinGen allele CA7538385.
Genomic context (GRCh38, chr15:45,106,166, plus strand): 5'-GAGGCAGGACGAGCCATACCAGGTCATACTCCTTAGGGATCTTGAGCAGCAGGGTGCGGC[ATCC>A]TCGGTTGTTGGACAGGATGAGGTTGACCTGCTGCAGAGGCTGCAGCTGGACCACACGGAG-3'

ClinVar aggregate classification (germline): Conflicting classifications of pathogenicity. Review status: criteria provided, conflicting classifications (1 of 4 stars). 4 submissions from 4 submitters: Likely pathogenic (2); Uncertain significance (2). Last evaluated 2025-04-07.

Conditions:
Thyroid dyshormonogenesis 6 (TDH6). Also called: Genetic transient congenital hypothyroidism; HYPOTHYROIDISM, CONGENITAL, DUE TO DYSHORMONOGENESIS, 6; THYROID HORMONOGENESIS, GENETIC DEFECT IN, 6. Identifiers: Orphanet 226316, Orphanet 95716, MedGen C1846632, MONDO:0011792, OMIM 607200.

Submissions (4):

Labcorp Genetics (formerly Invitae), Labcorp
Classification: Uncertain significance. Last evaluated: 2025-04-07. Review status: criteria provided, single submitter. Criteria: Invitae Variant Classification Sherloc (09022015). Collection method: clinical testing. Allele origin: germline.
Comment: This variant, c.2104_2106del, results in the deletion of 1 amino acid(s) of the DUOX2 protein (p.Gly702del), but otherwise preserves the integrity of the reading frame. The frequency data for this variant in the population databases is considered unreliable, as metrics indicate poor data quality at this position in the gnomAD database. This variant has been observed in individual(s) with clinical features of congenital hypothyroidism (PMID: 27108200, 30022773, 33310921, 34564849). ClinVar contains an entry for this variant (Variation ID: 1483823). Algorithms developed to predict the effect of variants on gene product structure and function are not available or were not evaluated for this variant. Experimental studies have shown that this variant does not substantially affect DUOX2 function (PMID: 34564849). In summary, the available evidence is currently insufficient to determine the role of this variant in disease. Therefore, it has been classified as a Variant of Uncertain Significance.

Fulgent Genetics
Classification: Likely pathogenic for Thyroid dyshormonogenesis 6. Last evaluated: 2024-04-13. Review status: criteria provided, single submitter. Criteria: ACMG Guidelines, 2015. Collection method: clinical testing. Allele origin: germline.

Blueprint Genetics
Classification: Uncertain significance. Last evaluated: 2023-12-15. Review status: criteria provided, single submitter. Criteria: ACMG Guidelines, 2015. Collection method: clinical testing. Allele origin: germline.

Juno Genomics, Hangzhou Juno Genomics, Inc
Classification: Likely pathogenic for Thyroid dyshormonogenesis 6. Review status: criteria provided, single submitter. Criteria: ACMG Guidelines, 2015. Collection method: clinical testing. Allele origin: germline.
Comment: Absent from controls (or at extremely low frequency if recessive) in Genome Aggregation Database.;Protein length changes due to in-frame deletions/insertions in a non-repeat region or stop-loss variants.;For recessive disorders, detected in trans with a pathogenic variant.;Patient's phenotype or family history is highly specific for a disease with a single genetic etiology.;Co-segregation with disease in multiple affected family members.

Literature cited by the submitters: PubMed 27108200 (cited by Labcorp Genetics (formerly Invitae), Labcorp); PubMed 30022773 (cited by Labcorp Genetics (formerly Invitae), Labcorp); PubMed 33310921 (cited by Labcorp Genetics (formerly Invitae), Labcorp); PubMed 34564849 (cited by Labcorp Genetics (formerly Invitae), Labcorp).